The following is an entry in ClinVar:

ClinVar aggregate classification (germline): Pathogenic. Review status: criteria provided, multiple submitters, no conflicts (2 of 4 stars). 4 submissions from 4 submitters: Pathogenic (3). 1 of the submissions does not count toward it. Last evaluated 2024-02-09.

Conditions:
Hereditary cancer-predisposing syndrome. Also called: Hereditary neoplastic syndrome; Tumor predisposition; Neoplastic Syndromes, Hereditary; Hereditary Cancer Syndrome. Identifiers: Orphanet 140162, MedGen C0027672, MeSH D009386, MONDO:0015356.
Familial thoracic aortic aneurysm and aortic dissection (TAAD). Also called: Thoracic aortic aneurysms and dissections. Identifiers: Orphanet 91387, MedGen C4707243, MONDO:0019625.
Juvenile polyposis syndrome (JPS). Identifiers: Orphanet 2929, MedGen C0345893, MONDO:0017380, OMIM 174900.
Juvenile polyposis/hereditary hemorrhagic telangiectasia syndrome (JPHT). Also called: Juvenile Polyposis Syndrome / Hereditary Hemorrhagic Telangiectasia (JPS/HHT); JP/HHT SYNDROME; JUVENILE POLYPOSIS WITH HEREDITARY HEMORRHAGIC TELANGIECTASIA; POLYPOSIS, GENERALIZED JUVENILE, WITH PULMONARY ARTERIOVENOUS MALFORMATION; TELANGIECTASIA, HEREDITARY HEMORRHAGIC, WITH JUVENILE POLYPOSIS COLI. Identifiers: Orphanet 2929, MedGen C1832942, MONDO:0008278, OMIM 175050.

Submissions (4):

Myriad Genetics, Inc.
Classification: Pathogenic for Juvenile polyposis/hereditary hemorrhagic telangiectasia syndrome. Last evaluated: 2024-02-09. Review status: criteria provided, single submitter. Criteria: Myriad Autosomal Dominant, Autosomal Recessive and X-Linked Classification Criteria (2023). Collection method: clinical testing. Allele origin: unknown.
Comment: This variant is considered pathogenic. This variant creates a frameshift predicted to result in premature protein truncation.

Labcorp Genetics (formerly Invitae), Labcorp
Classification: Pathogenic for Juvenile polyposis syndrome. Last evaluated: 2021-06-23. Review status: criteria provided, single submitter. Criteria: Invitae Variant Classification Sherloc (09022015). Collection method: clinical testing. Allele origin: germline.
Comment: This variant has not been reported in the literature in individuals with SMAD4-related conditions. ClinVar contains an entry for this variant (Variation ID: 486978). For these reasons, this variant has been classified as Pathogenic. This variant is not present in population databases (ExAC no frequency). This sequence change creates a premature translational stop signal (p.Asn251Metfs*85) in the SMAD4 gene. It is expected to result in an absent or disrupted protein product. Loss-of-function variants in SMAD4 are known to be pathogenic (PMID: 16152648, 16436638, 22810475).

Ambry Genetics
Classification: Pathogenic for Hereditary cancer-predisposing syndrome; Familial thoracic aortic aneurysm and aortic dissection. Last evaluated: 2016-04-01. Review status: criteria provided, single submitter. Criteria: Ambry Variant Classification Scheme 2023. Collection method: clinical testing. Allele origin: germline.
Comment: The c.752delA pathogenic mutation, located in coding exon 5 of the SMAD4 gene, results from a deletion of one nucleotide at nucleotide position 752, causing a translational frameshift with a predicted alternate stop codon (p.N251Mfs*85). This alteration is expected to result in loss of function by premature protein truncation or nonsense-mediated mRNA decay. As such, this alteration is interpreted as a disease-causing mutation.

Mayo Clinic Laboratories, Mayo Clinic
Classification: Pathogenic. Review status: no assertion criteria provided. Collection method: clinical testing. Allele origin: unknown. Not counted in ClinVar's aggregate classification.

Literature cited by the submitters: PubMed 16152648 (cited by Labcorp Genetics (formerly Invitae), Labcorp); PubMed 16436638 (cited by Labcorp Genetics (formerly Invitae), Labcorp); PubMed 22810475 (cited by Labcorp Genetics (formerly Invitae), Labcorp).

NM_005359.6(SMAD4):c.752del (p.Asn251fs)

Gene: SMAD4 (SMAD family member 4; plus strand). Cytogenetic location: 18q21.2.
Variant type: Deletion.
Coding change: c.752del on transcript NM_005359.6 (MANE Select); coding-DNA position 752, one base deleted (A; older notation c.752delA).
Protein change: p.Asn251fs; shifts the reading frame from asparagine 251.
Molecular consequence: frameshift variant.
Genome position (GRCh38, 1-based): chr18:51,058,209, A deleted; the last of 2 consecutive A bases (chr18:51,058,208-51,058,209); deleting either gives the same sequence. VCF-style (leftmost placement, unchanged base first): chr18-51058207-GA-G. GRCh37 (hg19) VCF-style: chr18-48584577-GA-G.
Other names: c.752delA (NM_005359.5).
Identifiers: ClinVar variation 486978 (VCV000486978.16), dbSNP rs1555685925, ClinGen allele CA658658742.